The following is an entry in ClinVar:

ClinVar aggregate classification (germline): Uncertain significance. Review status: criteria provided, multiple submitters, no conflicts (2 of 4 stars). 2 submissions from 2 submitters: Uncertain significance (2). Last evaluated 2025-08-01.

Conditions:
Early-onset Lafora body disease. Also called: Epilepsy, progressive myoclonic, 10. Identifiers: Orphanet 324290, MedGen C4225258, MONDO:0014717, OMIM 616640.

Allele frequency attached by ClinVar (database versions not stated): gnomAD exomes below 0.00001; TOPMed below 0.00001; gnomAD 0.00001.
gnomAD v4.1: 2 of 1,608,350 alleles (0.00012%); highest among the groups gnomAD compares: African/African-American, 0.0013%; no homozygotes.

Submissions (2):

Ambry Genetics
Classification: Uncertain significance. Last evaluated: 2025-08-01. Review status: criteria provided, single submitter. Criteria: Ambry Variant Classification Scheme 2023. Collection method: clinical testing. Allele origin: germline.

Labcorp Genetics (formerly Invitae), Labcorp
Classification: Uncertain significance for Early-onset Lafora body disease. Last evaluated: 2021-06-04. Review status: criteria provided, single submitter. Criteria: Invitae Variant Classification Sherloc (09022015). Collection method: clinical testing. Allele origin: germline.
Comment: This sequence change replaces leucine with proline at codon 611 of the PRDM8 protein (p.Leu611Pro). The leucine residue is highly conserved and there is a moderate physicochemical difference between leucine and proline. This variant is not present in population databases (ExAC no frequency). This variant has not been reported in the literature in individuals with PRDM8-related conditions. Algorithms developed to predict the effect of missense changes on protein structure and function are either unavailable or do not agree on the potential impact of this missense change (SIFT: "Deleterious"; PolyPhen-2: "Probably Damaging"; Align-GVGD: "Class C0"). In summary, the available evidence is currently insufficient to determine the role of this variant in disease. Therefore, it has been classified as a Variant of Uncertain Significance.

NM_001099403.2(PRDM8):c.1832T>C (p.Leu611Pro)

Gene: PRDM8 (PR/SET domain 8; plus strand). Cytogenetic location: 4q21.21.
Variant type: single nucleotide variant.
Coding change: c.1832T>C on transcript NM_001099403.2 (MANE Select); coding-DNA position 1832, T replaced by C.
Protein change: p.Leu611Pro; replaces leucine 611 with proline.
Molecular consequence: missense variant.
Genome position (GRCh38, 1-based): chr4:80,203,294, T>C. VCF-style: chr4-80203294-T-C. GRCh37 (hg19) VCF-style: chr4-81124448-T-C.
Other names: c.1832T>C, p.Leu611Pro (NM_020226.4); c.1832T>C (NM_020226.3); short protein forms L611P.
Identifiers: ClinVar variation 1494315 (VCV001494315.9), dbSNP rs1317721429, ClinGen allele CA357402967.
Genomic context (GRCh38, chr4:80,203,294, plus strand): 5'-CCGCGGCTGCGGCGGCGGCCGCGGGGCCCTTGCAGCTGCAGCTGCCCTCGGCGCTCACGC[T>C]GCTGCCGCCCTCCTTCACCTCGCTGTGTCTGCCCGCGCAGAACTGGTGCGCCAAGTGCAA-3'
Protein context (NP_001092873.1, residues 601-621): LQLQLPSALT[Leu611Pro]LPPSFTSLCL